The following is an entry in ClinVar:

ClinVar aggregate classification (germline): Uncertain significance. Review status: criteria provided, multiple submitters, no conflicts (2 of 4 stars). 4 submissions from 4 submitters: Uncertain significance (4). Last evaluated 2025-06-10.

Conditions:
Inborn genetic diseases. Identifiers: MedGen C0950123, MeSH D030342.
Developmental and epileptic encephalopathy, 12 (DEE12). Identifiers: MedGen C3150988, MONDO:0013389, OMIM 613722.

Allele frequency attached by ClinVar (database versions not stated): gnomAD 0.00007 and 0.00008; TOPMed 0.00007; gnomAD exomes 0.00012; ExAC 0.00013.
gnomAD v4.1: 207 of 1,613,980 alleles (0.013%); highest among the groups gnomAD compares: Non-Finnish European, 0.017%; no homozygotes.

Submissions (4):

GeneDx
Classification: Uncertain significance. Last evaluated: 2025-06-10. Review status: criteria provided, single submitter. Criteria: GeneDx Variant Classification Process June 2021. Collection method: clinical testing. Allele origin: germline. Affected: yes.
Comment: In silico analysis suggests that this missense variant does not alter protein structure/function; Has not been previously published as pathogenic or benign to our knowledge

Labcorp Genetics (formerly Invitae), Labcorp
Classification: Uncertain significance for Developmental and epileptic encephalopathy, 12. Last evaluated: 2024-01-22. Review status: criteria provided, single submitter. Criteria: Invitae Variant Classification Sherloc (09022015). Collection method: clinical testing. Allele origin: germline.
Comment: This sequence change replaces glutamic acid, which is acidic and polar, with aspartic acid, which is acidic and polar, at codon 1202 of the PLCB1 protein (p.Glu1202Asp). This variant is present in population databases (rs200558916, gnomAD 0.02%). This variant has not been reported in the literature in individuals affected with PLCB1-related conditions. ClinVar contains an entry for this variant (Variation ID: 471510). An algorithm developed to predict the effect of missense changes on protein structure and function (PolyPhen-2) suggests that this variant¬†is likely to be tolerated. In summary, the available evidence is currently insufficient to determine the role of this variant in disease. Therefore, it has been classified as a Variant of Uncertain Significance.

Mayo Clinic Laboratories, Mayo Clinic
Classification: Uncertain significance. Last evaluated: 2021-05-10. Review status: criteria provided, single submitter. Criteria: ACMG Guidelines, 2015. Collection method: clinical testing. Allele origin: germline.

Ambry Genetics
Classification: Uncertain significance for Inborn genetic diseases. Last evaluated: 2018-07-19. Review status: criteria provided, single submitter. Criteria: Ambry Variant Classification Scheme 2023. Collection method: clinical testing. Allele origin: germline.
Comment: The p.E1202D variant (also known as c.3606G>C), located in coding exon 32 of the PLCB1 gene, results from a G to C substitution at nucleotide position 3606. The glutamic acid at codon 1202 is replaced by aspartic acid, an amino acid with highly similar properties. This amino acid position is well conserved in available vertebrate species. In addition, this alteration is predicted to be tolerated by in silico analysis. Since supporting evidence is limited at this time, the clinical significance of this alteration remains unclear.

NM_015192.4(PLCB1):c.3606G>C (p.Glu1202Asp)

Gene: PLCB1 (phospholipase C beta 1; plus strand). Cytogenetic location: 20p12.3.
Variant type: single nucleotide variant.
Coding change: c.3606G>C on transcript NM_015192.4 (MANE Select); coding-DNA position 3606, G replaced by C.
Protein change: p.Glu1202Asp; replaces glutamic acid 1202 with aspartic acid.
Molecular consequence: missense variant. On other transcripts: 3 prime UTR variant (1).
Genome position (GRCh38, 1-based): chr20:8,881,804, G>C. VCF-style: chr20-8881804-G-C. GRCh37 (hg19) VCF-style: chr20-8862451-G-C.
Other names: p.Glu1202Asp; c.*202G>C (NM_182734.3); short protein forms E1202D.
Identifiers: ClinVar variation 471510 (VCV000471510.15), dbSNP rs200558916, ClinGen allele CA9760658.